The following is an entry in ClinVar:

NM_014026.6(DCPS):c.954C>T (p.Thr318=)

Genes: DCPS (decapping enzyme, scavenger; plus strand), GSEC (G-quadruplex forming sequence containing lncRNA; minus strand). Cytogenetic location: 11q24.2.
Variant type: single nucleotide variant.
Coding change: c.954C>T on transcript NM_014026.6 (MANE Select); coding-DNA position 954, C replaced by T.
Protein change: p.Thr318=; no amino-acid change (threonine 318 retained).
Molecular consequence: synonymous variant.
Genome position (GRCh38, 1-based): chr11:126,345,553, C>T. VCF-style: chr11-126345553-C-T. GRCh37 (hg19) VCF-style: chr11-126215448-C-T.
Other names: c.975C>T, p.Thr325= (NM_001350236.2).
Identifiers: ClinVar variation 733915 (VCV000733915.4), dbSNP rs143294413, ClinGen allele CA6355204.

ClinVar aggregate classification (germline): Likely benign. Review status: criteria provided, multiple submitters, no conflicts (2 of 4 stars). 2 submissions from 2 submitters: Likely benign (2). Last evaluated 2026-08-01.

Allele frequency attached by ClinVar (database versions not stated): gnomAD exomes 0.00003 and 0.00008; ExAC 0.00008; 1000 Genomes Project 0.00020; 1000 Genomes Project 30x 0.00031; gnomAD 0.00036 and 0.00038; TOPMed 0.00037; ESP Exome Variant Server 0.00062.
gnomAD v4.1: 97 of 1,613,996 alleles (0.006%); highest among the groups gnomAD compares: African/African-American, 0.12%; no homozygotes.

Submissions (2):

CeGaT Center for Human Genetics Tuebingen
Classification: Likely benign. Last evaluated: 2026-08-01. Review status: criteria provided, single submitter. Criteria: CeGaT Center For Human Genetics Tuebingen Variant Classification Criteria Version 2. Collection method: clinical testing. Allele origin: germline. Affected: yes. Observed: 1 variant allele.
Comment: DCPS: BP4, BP7

Labcorp Genetics (formerly Invitae), Labcorp
Classification: Likely benign. Last evaluated: 2018-07-13. Review status: criteria provided, single submitter. Criteria: Invitae Variant Classification Sherloc (09022015). Collection method: clinical testing. Allele origin: germline.